The following is an entry in ClinVar:

NM_000465.4(BARD1):c.1716T>C (p.Leu572=)

Gene: BARD1 (BRCA1 associated RING domain 1; minus strand). Cytogenetic location: 2q35.
Variant type: single nucleotide variant.
Coding change: c.1716T>C on transcript NM_000465.4 (MANE Select); coding-DNA position 1716, T replaced by C.
Protein change: p.Leu572=; no amino-acid change (leucine 572 retained).
Molecular consequence: synonymous variant. On other transcripts: non-coding transcript variant (3), intron variant (1).
Genome position (GRCh38, 1-based): chr2:214,745,816, A>G on the plus strand (T>C on the coding strand, the complement: BARD1 is on the minus strand). VCF-style: chr2-214745816-A-G. GRCh37 (hg19) VCF-style: chr2-215610540-A-G.
Other names: c.1659T>C, p.Leu553= (NM_001282543.2); c.363T>C, p.Leu121= (NM_001282545.2); c.306T>C, p.Leu102= (NM_001282548.2); c.365-15308T>C (NM_001282549.2).
Identifiers: ClinVar variation 1100050 (VCV001100050.13), dbSNP rs1693084402, ClinGen allele CA431145953.
Genomic context (GRCh38, chr2:214,745,816, plus strand): 5'-AAGAATTACTGCAAGCTCACTGAGCATTTTCTGTTGTTCTGAAGACAGCCCACTGCCTAT[A>G]AGTACAAGAGGTCCATCCCTACGCTGCCCAGTGTTCATCTGTTAATATAAAAGGAGATAC-3'
Protein context (NP_000456.2, residues 562-582): TGQRRDGPLV[Leu572=]IGSGLSSEQQ

ClinVar aggregate classification (germline): Benign/Likely benign. Review status: criteria provided, multiple submitters, no conflicts (2 of 4 stars). 3 submissions from 3 submitters: Benign (1); Likely benign (2). Last evaluated 2024-07-26.

Conditions:
Hereditary cancer-predisposing syndrome. Also called: Tumor predisposition; Hereditary neoplastic syndrome; Hereditary Cancer Syndrome; Neoplastic Syndromes, Hereditary. Identifiers: Orphanet 140162, MedGen C0027672, MeSH D009386, MONDO:0015356.
Familial cancer of breast. Also called: Hereditary breast cancer; hereditary breast carcinoma; BREAST CANCER, FAMILIAL. Identifiers: Orphanet 227535, MedGen C0346153, MONDO:0016419, OMIM 114480. Disease mechanism: loss of function.

Allele frequency attached by ClinVar (database versions not stated): TOPMed below 0.00001.

Submissions (3):

Myriad Genetics, Inc.
Classification: Benign for Familial cancer of breast. Last evaluated: 2024-07-26. Review status: criteria provided, single submitter. Criteria: Myriad Autosomal Dominant, Autosomal Recessive and X-Linked Classification Criteria (2023). Collection method: clinical testing. Allele origin: unknown.
Comment: This variant is considered benign. This variant is a silent/synonymous amino acid change and it is not expected to impact splicing.

Labcorp Genetics (formerly Invitae), Labcorp
Classification: Likely benign for Familial cancer of breast. Last evaluated: 2024-05-22. Review status: criteria provided, single submitter. Criteria: Invitae Variant Classification Sherloc (09022015). Collection method: clinical testing. Allele origin: germline.

Ambry Genetics
Classification: Likely benign for Hereditary cancer-predisposing syndrome. Last evaluated: 2021-11-07. Review status: criteria provided, single submitter. Criteria: Ambry Variant Classification Scheme 2023. Collection method: clinical testing. Allele origin: germline.